The following is an entry in ClinVar:

ClinVar aggregate classification (germline): Likely pathogenic (1 of 4 stars; one submission).

Conditions:
RARB-related disorder. Also called: RARB-related condition.

Submission:

PreventionGenetics, part of Exact Sciences
Classification: Likely pathogenic for RARB-related condition. Last evaluated: 2026-09-14. Review status: criteria provided, single submitter. Criteria: ACMG Guidelines, 2015. Collection method: clinical testing. Allele origin: germline.
Comment: The RARB c.1096_1097delAT variant is predicted to result in a frameshift and premature protein termination (p.Met366Valfs*13). To our knowledge, this variant has not been reported in the literature. This variant is reported in 0.0033% of alleles in individuals of South Asian descent in gnomAD. This variant is interpreted as likely pathogenic.

NM_000965.5(RARB):c.1096_1097del (p.Met366fs)

Gene: RARB (retinoic acid receptor beta; plus strand). Cytogenetic location: 3p24.2.
Variant type: Deletion.
Coding change: c.1096_1097del on transcript NM_000965.5 (MANE Select); coding-DNA positions 1096 to 1097, 2 bases deleted (AT; older notation c.1096_1097delAT).
Protein change: p.Met366fs; shifts the reading frame from methionine 366.
Molecular consequence: frameshift variant. On other transcripts: non-coding transcript variant (2).
Genome position (GRCh38, 1-based): chr3:25,594,624-25,594,625, AT deleted. VCF-style (leftmost placement, unchanged base first): chr3-25594623-CAT-C. GRCh37 (hg19) VCF-style: chr3-25636114-CAT-C.
Other names: c.1117_1118del, p.Met373fs (NM_001290216.3); c.760_761del, p.Met254fs (NM_001290217.2, NM_001290276.2, NM_016152.4); c.949_950del, p.Met317fs (NM_001290266.2); c.958_959del, p.Met320fs (NM_001290277.1); c.967_968del, p.Met323fs (NM_001290300.2); short protein forms M320fs, M317fs, M323fs, M373fs, M366fs, M254fs.
Identifiers: ClinVar variation 4988358 (VCV004988358.1).